The following is an entry in ClinVar:

ClinVar aggregate classification (germline): Uncertain significance. Review status: criteria provided, multiple submitters, no conflicts (2 of 4 stars). 4 submissions from 4 submitters: Uncertain significance (4). Last evaluated 2025-09-27.

Conditions:
Neurofibromatosis-Noonan syndrome (NFNS). Also called: NEUROFIBROMATOSIS WITH NOONAN PHENOTYPE. Identifiers: Orphanet 638, MedGen C2931482, MONDO:0011035, OMIM 601321. Disease mechanism: loss of function.
Café-au-lait macules with pulmonary stenosis (WTSN). Also called: PULMONIC STENOSIS WITH CAFE-AU-LAIT SPOTS. Identifiers: MedGen C0553586, MONDO:0008672, OMIM 193520.
Juvenile myelomonocytic leukemia (JMML). Also called: LEUKEMIA, JUVENILE MYELOMONOCYTIC, SOMATIC. Identifiers: Orphanet 86834, MedGen C0349639, MONDO:0011908, OMIM 607785, HP:0012209.
Neurofibromatosis, type 1 (NF1). Also called: Neurofibromatosis, type I; Peripheral type neurofibromatosis; VON RECKLINGHAUSEN DISEASE; NEUROFIBROMATOSIS, TYPE I, SOMATIC. Identifiers: Orphanet 636, MedGen C0027831, MONDO:0018975, OMIM 162200. Disease mechanism: loss of function.
Neurofibromatosis, familial spinal (FSNF). Identifiers: Orphanet 636, MedGen C1834235, MONDO:0008078, OMIM 162210. Disease mechanism: loss of function.
Hereditary cancer-predisposing syndrome. Also called: Neoplastic Syndromes, Hereditary; Hereditary Cancer Syndrome; Hereditary neoplastic syndrome; Tumor predisposition. Identifiers: Orphanet 140162, MedGen C0027672, MeSH D009386, MONDO:0015356.
Cardiovascular phenotype. Identifiers: MedGen CN230736.

Allele frequency attached by ClinVar (database versions not stated): gnomAD exomes below 0.00001.
gnomAD v4.1: 1 of 1,614,028 alleles (0.000062%); highest among the groups gnomAD compares: Non-Finnish European, 0.000085%; no homozygotes.

Submissions (4):

Ambry Genetics
Classification: Uncertain significance for Cardiovascular phenotype; Hereditary cancer-predisposing syndrome. Last evaluated: 2025-09-27. Review status: criteria provided, single submitter. Criteria: Ambry Variant Classification Scheme 2023. Collection method: clinical testing. Allele origin: germline.
Comment: The p.F1392L variant (also known as c.4176T>G), located in coding exon 31 of the NF1 gene, results from a T to G substitution at nucleotide position 4176. The phenylalanine at codon 1392 is replaced by leucine, an amino acid with highly similar properties. This amino acid position is highly conserved in available vertebrate species. In addition, this alteration is predicted to be deleterious by in silico analysis. Since supporting evidence is limited at this time, the clinical significance of this alteration remains unclear.

Labcorp Genetics (formerly Invitae), Labcorp
Classification: Uncertain significance for Neurofibromatosis, type 1. Last evaluated: 2025-07-30. Review status: criteria provided, single submitter. Criteria: Invitae Variant Classification Sherloc (09022015). Collection method: clinical testing. Allele origin: germline.
Comment: This sequence change replaces phenylalanine, which is neutral and non-polar, with leucine, which is neutral and non-polar, at codon 1392 of the NF1 protein (p.Phe1392Leu). This variant is not present in population databases (gnomAD no frequency). This variant has not been reported in the literature in individuals affected with NF1-related conditions. ClinVar contains an entry for this variant (Variation ID: 824648). Invitae Evidence Modeling of protein sequence and biophysical properties (such as structural, functional, and spatial information, amino acid conservation, physicochemical variation, residue mobility, and thermodynamic stability) indicates that this missense variant is expected to disrupt NF1 protein function with a positive predictive value of 95%. In summary, the available evidence is currently insufficient to determine the role of this variant in disease. Therefore, it has been classified as a Variant of Uncertain Significance.

Genome-Nilou Lab
Classification: Uncertain significance for Neurofibromatosis, type 1. Last evaluated: 2022-03-15. Review status: criteria provided, single submitter. Criteria: ACMG Guidelines, 2015. Collection method: clinical testing. Allele origin: germline. Affected: no.

Fulgent Genetics
Classification: Uncertain significance for Neurofibromatosis, type 1; Neurofibromatosis, familial spinal; Café-au-lait macules with pulmonary stenosis; Neurofibromatosis-Noonan syndrome; Juvenile myelomonocytic leukemia. Last evaluated: 2021-11-22. Review status: criteria provided, single submitter. Criteria: ACMG Guidelines, 2015. Collection method: clinical testing. Allele origin: unknown.

NM_001042492.3(NF1):c.4239T>G (p.Phe1413Leu)

Gene: NF1 (neurofibromin 1; plus strand). Cytogenetic location: 17q11.2.
Variant type: single nucleotide variant.
Coding change: c.4239T>G on transcript NM_001042492.3 (MANE Select); coding-DNA position 4239, T replaced by G.
Protein change: p.Phe1413Leu; replaces phenylalanine 1413 with leucine.
Molecular consequence: missense variant.
Genome position (GRCh38, 1-based): chr17:31,258,409, T>G. VCF-style: chr17-31258409-T-G. GRCh37 (hg19) VCF-style: chr17-29585427-T-G.
Other names: c.4176T>G, p.Phe1392Leu (NM_000267.4); short protein forms F1392L, F1413L.
Identifiers: ClinVar variation 824648 (VCV000824648.14), dbSNP rs1597744644, ClinGen allele CA398997854.